The following is an entry in ClinVar:

NM_005591.4(MRE11):c.251T>C (p.Met84Thr)

Gene: MRE11 (MRE11 double strand break repair nuclease; minus strand). Cytogenetic location: 11q21.
Variant type: single nucleotide variant.
Coding change: c.251T>C on transcript NM_005591.4 (MANE Select); coding-DNA position 251, T replaced by C.
Protein change: p.Met84Thr; replaces methionine 84 with threonine.
Molecular consequence: missense variant.
Genome position (GRCh38, 1-based): chr11:94,485,987, A>G on the plus strand (T>C on the coding strand, the complement: MRE11 is on the minus strand). VCF-style: chr11-94485987-A-G. GRCh37 (hg19) VCF-style: chr11-94219153-A-G.
Other names: c.251T>C, p.Met84Thr (NM_001330347.2, NM_005590.4); short protein forms M84T.
Identifiers: ClinVar variation 821428 (VCV000821428.8), dbSNP rs1482454029, ClinGen allele CA382379543.

ClinVar aggregate classification (germline): Uncertain significance. Review status: criteria provided, multiple submitters, no conflicts (2 of 4 stars). 3 submissions from 3 submitters: Uncertain significance (3). Last evaluated 2025-08-31.

Conditions:
Hereditary cancer-predisposing syndrome. Also called: Neoplastic Syndromes, Hereditary; Tumor predisposition; Hereditary Cancer Syndrome; Hereditary neoplastic syndrome. Identifiers: Orphanet 140162, MedGen C0027672, MeSH D009386, MONDO:0015356.
Ataxia-telangiectasia-like disorder (ATLD). Identifiers: MedGen C1858391, MONDO:0011457.
MRE11-related disorder. Also called: MRE11-related condition.

Allele frequency attached by ClinVar (database versions not stated): gnomAD exomes below 0.00001; TOPMed below 0.00001.
gnomAD v4.1: 1 of 1,613,952 alleles (0.000062%); highest among the groups gnomAD compares: Admixed American, 0.0017%; no homozygotes.

Submissions (3):

Ambry Genetics
Classification: Uncertain significance for Hereditary cancer-predisposing syndrome. Last evaluated: 2025-08-31. Review status: criteria provided, single submitter. Criteria: Ambry Variant Classification Scheme 2023. Collection method: clinical testing. Allele origin: germline.
Comment: The p.M84T variant (also known as c.251T>C), located in coding exon 3 of the MRE11A gene, results from a T to C substitution at nucleotide position 251. The methionine at codon 84 is replaced by threonine, an amino acid with similar properties. This amino acid position is highly conserved in available vertebrate species. In addition, this alteration is predicted to be deleterious by in silico analysis. Since supporting evidence is limited at this time, the clinical significance of this alteration remains unclear.

Labcorp Genetics (formerly Invitae), Labcorp
Classification: Uncertain significance for Ataxia-telangiectasia-like disorder. Last evaluated: 2022-10-04. Review status: criteria provided, single submitter. Criteria: Invitae Variant Classification Sherloc (09022015). Collection method: clinical testing. Allele origin: germline.
Comment: This sequence change replaces methionine, which is neutral and non-polar, with threonine, which is neutral and polar, at codon 84 of the MRE11 protein (p.Met84Thr). This variant is present in population databases (no rsID available, gnomAD 0.003%). This variant has not been reported in the literature in individuals affected with MRE11-related conditions. ClinVar contains an entry for this variant (Variation ID: 821428). Algorithms developed to predict the effect of missense changes on protein structure and function (SIFT, PolyPhen-2, Align-GVGD) all suggest that this variant is likely to be disruptive. In summary, the available evidence is currently insufficient to determine the role of this variant in disease. Therefore, it has been classified as a Variant of Uncertain Significance.

PreventionGenetics, part of Exact Sciences
Classification: Uncertain significance for MRE11-related condition. Last evaluated: 2022-09-20. Review status: criteria provided, single submitter. Criteria: ACMG Guidelines, 2015. Collection method: clinical testing. Allele origin: germline.
Comment: The MRE11 c.251T>C variant is predicted to result in the amino acid substitution p.Met84Thr. To our knowledge, this variant has not been reported in the literature. This variant is reported in 0.0029% of alleles in individuals of Latino descent in gnomAD and is interpreted as uncertain in ClinVar. At this time, the clinical significance of this variant is uncertain due to the absence of conclusive functional and genetic evidence.